The following is an entry in ClinVar:

NM_001481.3(GAS8):c.1012G>T (p.Val338Leu)

Gene: GAS8 (growth arrest specific 8; plus strand). Cytogenetic location: 16q24.3.
Variant type: single nucleotide variant.
Coding change: c.1012G>T on transcript NM_001481.3 (MANE Select); coding-DNA position 1012, G replaced by T.
Protein change: p.Val338Leu; replaces valine 338 with leucine.
Molecular consequence: missense variant. On other transcripts: non-coding transcript variant (1).
Genome position (GRCh38, 1-based): chr16:90,040,300, G>T. VCF-style: chr16-90040300-G-T. GRCh37 (hg19) VCF-style: chr16-90106708-G-T.
Other names: c.763G>T, p.Val255Leu (NM_001286205.2); c.436G>T, p.Val146Leu (NM_001286208.2); c.937G>T, p.Val313Leu (NM_001286209.2); c.1012G>T (NM_001481.2); short protein forms V313L, V255L, V338L, V146L.
Identifiers: ClinVar variation 1506591 (VCV001506591.6), dbSNP rs977173408, ClinGen allele CA286666103.

ClinVar aggregate classification (germline): Uncertain significance. Review status: criteria provided, multiple submitters, no conflicts (2 of 4 stars). 2 submissions from 2 submitters: Uncertain significance (2). Last evaluated 2024-03-29.

Conditions:
Primary ciliary dyskinesia 33. Also called: CILIARY DYSKINESIA, PRIMARY, 33, WITHOUT SITUS INVERSUS. Identifiers: Orphanet 244, MedGen C4225230, MONDO:0014750, OMIM 616726.
Inborn genetic diseases. Identifiers: MedGen C0950123, MeSH D030342.

Allele frequency attached by ClinVar (database versions not stated): gnomAD exomes 0.00001; TOPMed 0.00001.
gnomAD v4.1: 9 of 1,578,066 alleles (0.00057%); highest among the groups gnomAD compares: East Asian, 0.007%; no homozygotes.

Submissions (2):

Ambry Genetics
Classification: Uncertain significance for Inborn genetic diseases. Last evaluated: 2024-03-29. Review status: criteria provided, single submitter. Criteria: Ambry Variant Classification Scheme 2023. Collection method: clinical testing. Allele origin: germline.

Labcorp Genetics (formerly Invitae), Labcorp
Classification: Uncertain significance for Primary ciliary dyskinesia 33. Last evaluated: 2022-01-03. Review status: criteria provided, single submitter. Criteria: Invitae Variant Classification Sherloc (09022015). Collection method: clinical testing. Allele origin: germline.
Comment: This sequence change replaces valine, which is neutral and non-polar, with leucine, which is neutral and non-polar, at codon 338 of the GAS8 protein (p.Val338Leu). This variant is present in population databases (no rsID available, gnomAD 0.008%). This variant has not been reported in the literature in individuals affected with GAS8-related conditions. Algorithms developed to predict the effect of missense changes on protein structure and function (SIFT, PolyPhen-2, Align-GVGD) all suggest that this variant is likely to be tolerated. Algorithms developed to predict the effect of sequence changes on RNA splicing suggest that this variant may disrupt the consensus splice site. In summary, the available evidence is currently insufficient to determine the role of this variant in disease. Therefore, it has been classified as a Variant of Uncertain Significance.